The following is an entry in ClinVar:

NM_030943.4(AMN):c.914C>T (p.Thr305Met)

Gene: AMN (amnion associated transmembrane protein; plus strand). Cytogenetic location: 14q32.32.
Variant type: single nucleotide variant.
Coding change: c.914C>T on transcript NM_030943.4 (MANE Select); coding-DNA position 914, C replaced by T.
Protein change: p.Thr305Met; replaces threonine 305 with methionine.
Molecular consequence: missense variant.
Genome position (GRCh38, 1-based): chr14:102,929,994, C>T. VCF-style: chr14-102929994-C-T. GRCh37 (hg19) VCF-style: chr14-103396331-C-T.
Other names: short protein forms T305M.
Identifiers: ClinVar variation 2161632 (VCV002161632.2), dbSNP rs866436007, ClinGen allele CA267175432.
Genomic context (GRCh38, chr14:102,929,994, plus strand): 5'-ACGGGCTGCAGGTGGCCGTGTCCAAGGTGCCACGCTCGTCCCGGCTCCGTGAGGCCGATA[C>T]GGAGATCCAGGTGGTGCTGGTGGAGAATGGGCCCGAGACAGGCGGAGCGGGGCGGCTGGC-3'
Protein context (NP_112205.2, residues 295-315): PRSSRLREAD[Thr305Met]EIQVVLVENG

ClinVar aggregate classification (germline): Uncertain significance (1 of 4 stars; one submission).

Conditions:
Imerslund-Grasbeck syndrome. Also called: PERNICIOUS ANEMIA, JUVENILE, DUE TO SELECTIVE INTESTINAL MALABSORPTION OF VITAMIN B12, WITH PROTEINURIA; Megaloblastic anemia due to inborn errors of metabolism; ENTEROCYTE COBALAMIN MALABSORPTION; ENTEROCYTE INTRINSIC FACTOR RECEPTOR, DEFECT OF; Imerslund-Gräsbeck syndrome. Identifiers: Orphanet 35858, MedGen C4551825, MONDO:0009853.

Allele frequency attached by ClinVar (database versions not stated): TOPMed below 0.00001; gnomAD 0.00001; gnomAD exomes 0.00002.
gnomAD v4.1: 25 of 1,562,516 alleles (0.0016%); highest among the groups gnomAD compares: South Asian, 0.0024%; no homozygotes.

Submission:

Labcorp Genetics (formerly Invitae), Labcorp
Classification: Uncertain significance for Imerslund-Grasbeck syndrome. Last evaluated: 2025-12-08. Review status: criteria provided, single submitter. Criteria: Invitae Variant Classification Sherloc (09022015). Collection method: clinical testing. Allele origin: germline.
Comment: This sequence change replaces threonine, which is neutral and polar, with methionine, which is neutral and non-polar, at codon 305 of the AMN protein (p.Thr305Met). The frequency data for this variant in the population databases is considered unreliable, as metrics indicate poor data quality at this position in the gnomAD database. This variant has not been reported in the literature in individuals affected with AMN-related conditions. ClinVar contains an entry for this variant (Variation ID: 2161632). Invitae Evidence Modeling of protein sequence and biophysical properties (such as structural, functional, and spatial information, amino acid conservation, physicochemical variation, residue mobility, and thermodynamic stability) indicates that this missense variant is expected to disrupt AMN protein function with a positive predictive value of 80%. In summary, the available evidence is currently insufficient to determine the role of this variant in disease. Therefore, it has been classified as a Variant of Uncertain Significance.